The following is an entry in ClinVar:

NM_001303.4(COX10):c.1200C>T (p.Tyr400=)

Gene: COX10 (cytochrome c oxidase assembly factor heme A:farnesyltransferase COX10; plus strand). Cytogenetic location: 17p12.
Variant type: single nucleotide variant.
Coding change: c.1200C>T on transcript NM_001303.4 (MANE Select); coding-DNA position 1200, C replaced by T.
Protein change: p.Tyr400=; no amino-acid change (tyrosine 400 retained).
Molecular consequence: synonymous variant.
Genome position (GRCh38, 1-based): chr17:14,207,081, C>T. VCF-style: chr17-14207081-C-T. GRCh37 (hg19) VCF-style: chr17-14110398-C-T.
Identifiers: ClinVar variation 384244 (VCV000384244.9), dbSNP rs199748969, ClinGen allele CA8402553.
Genomic context (GRCh38, chr17:14,207,081, plus strand): 5'-CTTCCCCATCATGGCCCTTCCCATCAATGCGTACATCTCCTACCTCGGCTTCCGCTTCTA[C>T]GTGGACGCAGACCGCAGGAGCTCGCGGAGACTGTTCTTCTGCAGCCTGTGGCACCTGCCG-3'
Protein context (NP_001294.2, residues 390-410): AYISYLGFRF[Tyr400=]VDADRRSSRR

ClinVar aggregate classification (germline): Likely benign. Review status: criteria provided, multiple submitters, no conflicts (2 of 4 stars). 2 submissions from 2 submitters: Likely benign (2). Last evaluated 2025-06-12.

Allele frequency attached by ClinVar (database versions not stated): ExAC 0.00002; gnomAD exomes 0.00002 and 0.00003; 1000 Genomes Project 30x 0.00031; TOPMed 0.00004; gnomAD 0.00005; ESP Exome Variant Server 0.00008; 1000 Genomes Project 0.00020.
gnomAD v4.1: 56 of 1,614,088 alleles (0.0035%); highest among the groups gnomAD compares: African/African-American, 0.011%; no homozygotes.

Submissions (2):

Labcorp Genetics (formerly Invitae), Labcorp
Classification: Likely benign. Last evaluated: 2025-06-12. Review status: criteria provided, single submitter. Criteria: Invitae Variant Classification Sherloc (09022015). Collection method: clinical testing. Allele origin: germline.

GeneDx
Classification: Likely benign. Last evaluated: 2016-03-24. Review status: criteria provided, single submitter. Criteria: GeneDx Variant Classification (06012015). Collection method: clinical testing. Allele origin: germline. Affected: yes.
Comment: This variant is considered likely benign or benign based on one or more of the following criteria: it is a conservative change, it occurs at a poorly conserved position in the protein, it is predicted to be benign by multiple in silico algorithms, and/or has population frequency not consistent with disease.